The following is an entry in ClinVar:

NM_006662.3(SRCAP):c.3131T>C (p.Val1044Ala)

Gene: SRCAP (Snf2 related CREBBP activator protein; plus strand). Cytogenetic location: 16p11.2.
Variant type: single nucleotide variant.
Coding change: c.3131T>C on transcript NM_006662.3 (MANE Select); coding-DNA position 3131, T replaced by C.
Protein change: p.Val1044Ala; replaces valine 1044 with alanine.
Molecular consequence: missense variant.
Genome position (GRCh38, 1-based): chr16:30,720,856, T>C. VCF-style: chr16-30720856-T-C. GRCh37 (hg19) VCF-style: chr16-30732177-T-C.
Other names: short protein forms V1044A.
Identifiers: ClinVar variation 2995875 (VCV002995875.3), dbSNP rs2506663713, ClinGen allele CA395613386.

ClinVar aggregate classification (germline): Uncertain significance (1 of 4 stars; one submission).

Submission:

Labcorp Genetics (formerly Invitae), Labcorp
Classification: Uncertain significance. Last evaluated: 2023-11-10. Review status: criteria provided, single submitter. Criteria: Invitae Variant Classification Sherloc (09022015). Collection method: clinical testing. Allele origin: germline.
Comment: This sequence change replaces valine, which is neutral and non-polar, with alanine, which is neutral and non-polar, at codon 1044 of the SRCAP protein (p.Val1044Ala). This variant is not present in population databases (gnomAD no frequency). This variant has not been reported in the literature in individuals affected with SRCAP-related conditions. Advanced modeling of protein sequence and biophysical properties (such as structural, functional, and spatial information, amino acid conservation, physicochemical variation, residue mobility, and thermodynamic stability) performed at Invitae indicates that this missense variant is not expected to disrupt SRCAP protein function with a negative predictive value of 80%. In summary, the available evidence is currently insufficient to determine the role of this variant in disease. Therefore, it has been classified as a Variant of Uncertain Significance.